The following is an entry in ClinVar:

ClinVar aggregate classification (germline): Uncertain significance (1 of 4 stars; one submission).

Conditions:
Hereditary sensory and autonomic neuropathy type 6. Also called: HSAN VI; Neuropathy, hereditary sensory and autonomic, type VI. Identifiers: Orphanet 314381, MedGen C3539003, MONDO:0013839, OMIM 614653.
Epidermolysis bullosa simplex 3, localized or generalized intermediate, with BP230 deficiency (EBS3). Also called: Epidermolysis bullosa simplex, autosomal recessive 2; Epidermolysis bullosa simplex due to BP230 deficiency. Identifiers: Orphanet 412181, MedGen C3809470, MONDO:0014180, OMIM 615425.

gnomAD v4.1: 7 of 1,613,994 alleles (0.00043%); highest among the groups gnomAD compares: Non-Finnish European, 0.00059%; no homozygotes.

Submission:

Labcorp Genetics (formerly Invitae), Labcorp
Classification: Uncertain significance for Epidermolysis bullosa simplex 3, localized or generalized intermediate, with BP230 deficiency; Hereditary sensory and autonomic neuropathy type 6. Last evaluated: 2025-03-16. Review status: criteria provided, single submitter. Criteria: Invitae Variant Classification Sherloc (09022015). Collection method: clinical testing. Allele origin: germline.
Comment: This sequence change replaces histidine, which is basic and polar, with tyrosine, which is neutral and polar, at codon 515 of the DST protein (p.His515Tyr). This variant is present in population databases (rs767323555, gnomAD 0.0009%). This variant has not been reported in the literature in individuals affected with DST-related conditions. ClinVar contains an entry for this variant (Variation ID: 2931515). An algorithm developed to predict the effect of missense changes on protein structure and function (PolyPhen-2) suggests that this variant is likely to be disruptive. In summary, the available evidence is currently insufficient to determine the role of this variant in disease. Therefore, it has been classified as a Variant of Uncertain Significance.

NM_001374736.1(DST):c.3154C>T (p.His1052Tyr)

Gene: DST (dystonin; minus strand). Cytogenetic location: 6p12.1.
Variant type: single nucleotide variant.
Coding change: c.3154C>T on transcript NM_001374736.1 (MANE Select); coding-DNA position 3154, C replaced by T.
Protein change: p.His1052Tyr; replaces histidine 1052 with tyrosine.
Molecular consequence: missense variant.
Genome position (GRCh38, 1-based): chr6:56,635,621, G>A on the plus strand (C>T on the coding strand, the complement: DST is on the minus strand). VCF-style: chr6-56635621-G-A. GRCh37 (hg19) VCF-style: chr6-56500419-G-A.
Other names: c.3055C>T, p.His1019Tyr (NM_001144769.5); c.2641C>T, p.His881Tyr (NM_001144770.2); c.3154C>T, p.His1052Tyr (NM_001374722.1); c.2521C>T, p.His841Tyr (NM_001374729.1, NM_001374730.1, NM_001386100.1 and 1 more transcripts); c.3181C>T, p.His1061Tyr (NM_001374734.1); c.1543C>T, p.His515Tyr (NM_001723.7, NM_015548.5); short protein forms H1019Y, H1061Y, H841Y, H1052Y, H515Y, H881Y.
Identifiers: ClinVar variation 2931515 (VCV002931515.3), dbSNP rs767323555, ClinGen allele CA3871226.